The following is an entry in ClinVar:

NM_005476.7(GNE):c.749T>A (p.Leu250Gln)

Gene: GNE (glucosamine (UDP-N-acetyl)-2-epimerase/N-acetylmannosamine kinase; minus strand). Cytogenetic location: 9p13.3.
Variant type: single nucleotide variant.
Coding change: c.749T>A on transcript NM_005476.7 (MANE Select); coding-DNA position 749, T replaced by A.
Protein change: p.Leu250Gln; replaces leucine 250 with glutamine.
Molecular consequence: missense variant. On other transcripts: intron variant (2).
Genome position (GRCh38, 1-based): chr9:36,236,852, A>T on the plus strand (T>A on the coding strand, the complement: GNE is on the minus strand). VCF-style: chr9-36236852-A-T. GRCh37 (hg19) VCF-style: chr9-36236849-A-T.
Other names: c.842T>A, p.Leu281Gln (NM_001128227.3); c.749T>A, p.Leu250Gln (NM_001190383.3); c.572T>A, p.Leu191Gln (NM_001190388.2, NM_001374798.1); c.440-2720T>A (NM_001190384.3); c.617-2720T>A (NM_001374797.1); short protein forms L191Q, L250Q, L281Q.
Identifiers: ClinVar variation 2922330 (VCV002922330.3), dbSNP rs2489733499, ClinGen allele CA373414790.

ClinVar aggregate classification (germline): Uncertain significance (1 of 4 stars; one submission).

Conditions:
GNE myopathy (NM). Also called: NONAKA DISTAL MYOPATHY; MYOPATHY, DISTAL, WITH OR WITHOUT RIMMED VACUOLES; INCLUSION BODY MYOPATHY, HEREDITARY, AUTOSOMAL RECESSIVE; INCLUSION BODY MYOPATHY 2, AUTOSOMAL RECESSIVE; IBM 2; Inclusion body myopathy autosomal recessive. Identifiers: Orphanet 602, MedGen C1853926, MONDO:0011603, OMIM 605820.
Sialuria. Also called: SIALURIA, FRENCH TYPE; Sialic Acid Storage Disease. Identifiers: Orphanet 3166, MedGen C0342853, MONDO:0010028, OMIM 269921.

Submission:

Labcorp Genetics (formerly Invitae), Labcorp
Classification: Uncertain significance for Sialuria; GNE myopathy. Last evaluated: 2024-01-29. Review status: criteria provided, single submitter. Criteria: Invitae Variant Classification Sherloc (09022015). Collection method: clinical testing. Allele origin: germline.
Comment: This sequence change replaces leucine, which is neutral and non-polar, with glutamine, which is neutral and polar, at codon 281 of the GNE protein (p.Leu281Gln). This variant is not present in population databases (gnomAD no frequency). This variant has not been reported in the literature in individuals affected with GNE-related conditions. Advanced modeling of protein sequence and biophysical properties (such as structural, functional, and spatial information, amino acid conservation, physicochemical variation, residue mobility, and thermodynamic stability) has been performed at Invitae for this missense variant, however the output from this modeling did not meet the statistical confidence thresholds required to predict the impact of this variant on GNE protein function. In summary, the available evidence is currently insufficient to determine the role of this variant in disease. Therefore, it has been classified as a Variant of Uncertain Significance.